The following is an entry in ClinVar:

NM_020433.5(JPH2):c.650_651delinsCT (p.Gly217Ala)

Gene: JPH2 (junctophilin 2; minus strand). Cytogenetic location: 20q13.12.
Variant type: Indel.
Coding change: c.650_651delinsCT on transcript NM_020433.5 (MANE Select); coding-DNA positions 650 to 651, GC replaced by CT.
Protein change: p.Gly217Ala; replaces glycine 217 with alanine.
Molecular consequence: missense variant.
Genome position (GRCh38, 1-based): chr20:44,160,136-44,160,137, GC replaced by AG on the plus strand (GC replaced by CT on the coding strand, the reverse complement: JPH2 is on the minus strand). VCF-style: chr20-44160136-GC-AG. GRCh37 (hg19) VCF-style: chr20-42788776-GC-AG.
Other names: short protein forms G217A.
Identifiers: ClinVar variation 1423086 (VCV001423086.6), dbSNP rs2145879374, ClinGen allele CA2573157092.
Genomic context (GRCh38, chr20:44,160,136, plus strand): 5'-CGTGCGCGACTCTGCGCGCCGCAGCTTGCCCAGCAGCGCGCCCCGCTGGAAGAGGCCGCC[GC>AG]CCTTGGGCGCCCGCGCGGCCGCCTCGGCATTGGCCAGGAGGCTGAGCGCGAAGCCGCCAC-3'
Protein context (NP_065166.2, residues 207-227): NAEAAARAPK[Gly217Ala]GGLFQRGALL

ClinVar aggregate classification (germline): Uncertain significance (1 of 4 stars; one submission).

Conditions:
Hypertrophic cardiomyopathy. Also called: HYPERTROPHIC MYOCARDIOPATHY. Identifiers: Orphanet 217569, MedGen C0007194, MeSH D002312, MONDO:0005045, HP:0001639.

Submission:

Labcorp Genetics (formerly Invitae), Labcorp
Classification: Uncertain significance for Hypertrophic cardiomyopathy. Last evaluated: 2021-10-27. Review status: criteria provided, single submitter. Criteria: Invitae Variant Classification Sherloc (09022015). Collection method: clinical testing. Allele origin: germline.
Comment: In summary, the available evidence is currently insufficient to determine the role of this variant in disease. Therefore, it has been classified as a Variant of Uncertain Significance. Algorithms developed to predict the effect of missense changes on protein structure and function are either unavailable or do not agree on the potential impact of this missense change (SIFT: "Not Available"; PolyPhen-2: "Benign"; Align-GVGD: "Not Available"). This variant has not been reported in the literature in individuals affected with JPH2-related conditions. Information on the frequency of this variant in the gnomAD database is not available, as this variant may be reported differently in the database. This sequence change replaces glycine, which is neutral and non-polar, with alanine, which is neutral and non-polar, at codon 217 of the JPH2 protein (p.Gly217Ala).